The following is an entry in ClinVar:

NM_020778.5(ALPK3):c.3606_3613del (p.Gly1203fs)

Gene: ALPK3 (alpha kinase 3; plus strand). Cytogenetic location: 15q25.3.
Variant type: Deletion.
Coding change: c.3606_3613del on transcript NM_020778.5 (MANE Select); coding-DNA positions 3606 to 3613, 8 bases deleted (TGGGTCCC; older notation c.3606_3613delTGGGTCCC).
Protein change: p.Gly1203fs; shifts the reading frame from glycine 1203.
Molecular consequence: frameshift variant.
Genome position (GRCh38, 1-based): chr15:84,858,344-84,858,351, TGGGTCCC deleted; deleting any 8 consecutive bases within chr15:84,858,342-84,858,351 gives the same sequence; the c. name uses the placement nearest the transcript's 3' end. VCF-style (leftmost placement, unchanged base first): chr15-84858341-GCCTGGGTC-G. GRCh37 (hg19) VCF-style: chr15-85401572-GCCTGGGTC-G.
Other names: short protein forms G1203fs.
Identifiers: ClinVar variation 2017644 (VCV002017644.4), dbSNP rs2505722420, ClinGen allele CA2580090126.

ClinVar aggregate classification (germline): Pathogenic (1 of 4 stars; one submission).

Submission:

Labcorp Genetics (formerly Invitae), Labcorp
Classification: Pathogenic. Last evaluated: 2022-10-22. Review status: criteria provided, single submitter. Criteria: Invitae Variant Classification Sherloc (09022015). Collection method: clinical testing. Allele origin: germline.
Comment: For these reasons, this variant has been classified as Pathogenic. This variant has not been reported in the literature in individuals affected with ALPK3-related conditions. This sequence change creates a premature translational stop signal (p.Gly1405Argfs*50) in the ALPK3 gene. It is expected to result in an absent or disrupted protein product. Loss-of-function variants in ALPK3 are known to be pathogenic (PMID: 21441111, 26846950, 27106955, 34263907). This variant is not present in population databases (gnomAD no frequency).

Literature cited by the submitters: PubMed 21441111; PubMed 26846950; PubMed 27106955; PubMed 34263907.